The following is an entry in ClinVar:

ClinVar aggregate classification (germline): Uncertain significance. Review status: criteria provided, multiple submitters, no conflicts (2 of 4 stars). 4 submissions from 4 submitters: Uncertain significance (4). Last evaluated 2025-08-19.

Conditions:
Hereditary cancer-predisposing syndrome. Also called: Neoplastic Syndromes, Hereditary; Hereditary neoplastic syndrome; Tumor predisposition; Hereditary Cancer Syndrome. Identifiers: Orphanet 140162, MedGen C0027672, MeSH D009386, MONDO:0015356.
Tuberous sclerosis syndrome (TSC). Also called: Tuberous Sclerosis Complex; Tuberous sclerosis. Identifiers: Orphanet 805, MedGen C0041341, MONDO:0001734.
Tuberous sclerosis 2 (TSC2). Identifiers: Orphanet 805, MedGen C1860707, MONDO:0013199, OMIM 613254.

Allele frequency attached by ClinVar (database versions not stated): gnomAD exomes 0.00001; TOPMed 0.00001.

Submissions (4):

Ambry Genetics
Classification: Uncertain significance for Hereditary cancer-predisposing syndrome. Last evaluated: 2025-08-19. Review status: criteria provided, single submitter. Criteria: Ambry Variant Classification Scheme 2023. Collection method: clinical testing. Allele origin: germline.
Comment: The p.I885V variant (also known as c.2653A>G), located in coding exon 23 of the TSC2 gene, results from an A to G substitution at nucleotide position 2653. The isoleucine at codon 885 is replaced by valine, an amino acid with highly similar properties. This amino acid position is highly conserved in available vertebrate species. In addition, the in silico prediction for this alteration is inconclusive. Since supporting evidence is limited at this time, the clinical significance of this alteration remains unclear.

All of Us Research Program, National Institutes of Health
Classification: Uncertain significance for Tuberous sclerosis syndrome. Last evaluated: 2024-04-16. Review status: criteria provided, single submitter. Criteria: ACMG Guidelines, 2015. Collection method: clinical testing. Allele origin: germline. Inheritance: Autosomal dominant inheritance. Observed: 1 variant allele, 1 heterozygote.
Comment: This missense variant replaces isoleucine with valine at codon 885 of the TSC2 protein. Computational prediction is inconclusive regarding the impact of this variant on protein structure and function. To our knowledge, functional studies have not been reported for this variant. This variant has not been reported in individuals affected with TSC2-related disorders in the literature. This variant has not been identified in the general population by the Genome Aggregation Database (gnomAD). The available evidence is insufficient to determine the role of this variant in disease conclusively. Therefore, this variant is classified as a Variant of Uncertain Significance.

This study involves interpretation of variants in research participants for the purpose of population health screening. Participant phenotype was not available at the time of variant classification. Additional details can be found in publication PMID: 35346344, PMCID: PMC8962531

Labcorp Genetics (formerly Invitae), Labcorp
Classification: Uncertain significance for Tuberous sclerosis 2. Last evaluated: 2024-04-08. Review status: criteria provided, single submitter. Criteria: Invitae Variant Classification Sherloc (09022015). Collection method: clinical testing. Allele origin: germline.
Comment: This sequence change replaces isoleucine, which is neutral and non-polar, with valine, which is neutral and non-polar, at codon 885 of the TSC2 protein (p.Ile885Val). This variant is not present in population databases (gnomAD no frequency). This variant has not been reported in the literature in individuals affected with TSC2-related conditions. ClinVar contains an entry for this variant (Variation ID: 535859). Advanced modeling of protein sequence and biophysical properties (such as structural, functional, and spatial information, amino acid conservation, physicochemical variation, residue mobility, and thermodynamic stability) performed at Invitae indicates that this missense variant is not expected to disrupt TSC2 protein function with a negative predictive value of 95%. In summary, the available evidence is currently insufficient to determine the role of this variant in disease. Therefore, it has been classified as a Variant of Uncertain Significance.

GeneDx
Classification: Uncertain significance. Last evaluated: 2024-02-16. Review status: criteria provided, single submitter. Criteria: GeneDx Variant Classification Process June 2021. Collection method: clinical testing. Allele origin: germline. Affected: yes.
Comment: Not observed at significant frequency in large population cohorts (gnomAD); In silico analysis supports that this missense variant does not alter protein structure/function; Has not been previously published as pathogenic or benign to our knowledge; This variant is associated with the following publications: (PMID: 38137511)

NM_000548.5(TSC2):c.2653A>G (p.Ile885Val)

Gene: TSC2 (TSC complex subunit 2; plus strand). Cytogenetic location: 16p13.3.
Variant type: single nucleotide variant.
Coding change: c.2653A>G on transcript NM_000548.5 (MANE Select); coding-DNA position 2653, A replaced by G.
Protein change: p.Ile885Val; replaces isoleucine 885 with valine.
Molecular consequence: missense variant.
Genome position (GRCh38, 1-based): chr16:2,076,081, A>G. VCF-style: chr16-2076081-A-G. GRCh37 (hg19) VCF-style: chr16-2126082-A-G.
Other names: c.2653A>G, p.Ile885Val (NM_001077183.3, NM_001114382.3, NM_001363528.2 and 3 more transcripts); c.2542A>G, p.Ile848Val (NM_001318827.2); c.2506A>G, p.Ile836Val (NM_001318829.2); c.2053A>G, p.Ile685Val (NM_001318831.2); c.2686A>G, p.Ile896Val (NM_001318832.2); short protein forms I885V, I836V, I848V, I685V, I896V.
Identifiers: ClinVar variation 535859 (VCV000535859.16), dbSNP rs1555508581, ClinGen allele CA394279208.